The following is an entry in ClinVar:

NM_001130009.3(GEN1):c.1925A>C (p.Asn642Thr)

Gene: GEN1 (GEN1 Holliday junction 5' flap endonuclease; plus strand). Cytogenetic location: 2p24.2.
Variant type: single nucleotide variant.
Coding change: c.1925A>C on transcript NM_001130009.3 (MANE Select); coding-DNA position 1925, A replaced by C.
Protein change: p.Asn642Thr; replaces asparagine 642 with threonine.
Molecular consequence: missense variant.
Genome position (GRCh38, 1-based): chr2:17,781,137, A>C. VCF-style: chr2-17781137-A-C. GRCh37 (hg19) VCF-style: chr2-17962404-A-C.
Other names: c.1925A>C, p.Asn642Thr (NM_182625.5); short protein forms N642T.
Identifiers: ClinVar variation 4029294 (VCV004029294.1).

ClinVar aggregate classification (germline): Uncertain significance (1 of 4 stars; one submission).

Submission:

Ambry Genetics
Classification: Uncertain significance. Last evaluated: 2025-05-16. Review status: criteria provided, single submitter. Criteria: Ambry Variant Classification Scheme 2023. Collection method: clinical testing. Allele origin: germline.
Comment: The p.N642T variant (also known as c.1925A>C), located in coding exon 13 of the GEN1 gene, results from an A to C substitution at nucleotide position 1925. The asparagine at codon 642 is replaced by threonine, an amino acid with similar properties. This amino acid position is conserved. In addition, this alteration is predicted to be tolerated by in silico analysis. Based on the available evidence, the clinical significance of this variant remains unclear.